The following is an entry in ClinVar:

ClinVar aggregate classification (germline): Likely pathogenic (1 of 4 stars; one submission).

Conditions:
Progressive familial intrahepatic cholestasis (PFIC). Also called: Progressive intrahepatic cholestasis; Progressive family intrahepatic cholestasis. Identifiers: Orphanet 172, MedGen C0268312, MONDO:0015762.

Submission:

Women's Health and Genetics/Laboratory Corporation of America, LabCorp
Classification: Likely pathogenic for Progressive familial intrahepatic cholestasis. Last evaluated: 2022-11-09. Review status: criteria provided, single submitter. Criteria: LabCorp Variant Classification Summary - May 2015. Collection method: clinical testing. Allele origin: germline.
Comment: Variant summary: The variant identified by MLPA or other technology involves the deletion of exons 24-28 which includes the last exon in the ATP8B1 gene. The exact breakpoint at the 3' end of this variant is unknown, and therefore this deletion might extend downstream of the assayed region of the gene. A presumed nomenclature of c.(2931+1_2932-1)_(*2063_?)del has been designated for the purposes of this classification. Although the exact breakpoints of this deletion are not known, it is not expected to cause nonsense mediated decay (NMD), but is predicted to cause a large truncation of the encoded protein (removing amino acids 978-1251, and likely replacing it with an incorrect sequence). This deletion is predicted to affect the P-type ATPase, C-terminal domain (amino acids 919-1173; IPR032630). Several truncating variants are reported in the non-NMD prone region of the ATP8B1 gene in individuals affected with familial progressive intrahepatic cholestasis (HGMD). The variant was absent in 21694 control chromosomes (gnomAD database, structural variants dataset). To our knowledge, no occurrence of c.(2931+1_2932-1)_(*2063_?)del in individuals affected with Familial Intrahepatic Cholestasis and no experimental evidence demonstrating its impact on protein function have been reported. No clinical diagnostic laboratories have submitted clinical-significance assessments for this variant to ClinVar after 2014. Based on the evidence outlined above, the variant was classified as likely pathogenic.

NC_000018.9:g.(?_55313657)_(55321308_55322425)del

Gene: ATP8B1 (ATPase phospholipid transporting 8B1; minus strand). Cytogenetic location: 18q21.31.
Variant type: Deletion.
Identifiers: ClinVar variation 1804771 (VCV001804771.1).